The following is an entry in ClinVar:

NM_021969.3(NR0B2):c.85C>T (p.Leu29Phe)

Genes: NR0B2 (nuclear receptor subfamily 0 group B member 2; minus strand), NUDC (nuclear distribution C, dynein complex regulator; plus strand). Cytogenetic location: 1p36.11.
Variant type: single nucleotide variant.
Coding change: c.85C>T on transcript NM_021969.3 (MANE Select); coding-DNA position 85, C replaced by T.
Protein change: p.Leu29Phe; replaces leucine 29 with phenylalanine.
Molecular consequence: missense variant.
Genome position (GRCh38, 1-based): chr1:26,913,856, G>A on the plus strand (C>T on the coding strand, the complement: NR0B2 is on the minus strand). VCF-style: chr1-26913856-G-A. GRCh37 (hg19) VCF-style: chr1-27240347-G-A.
Other names: short protein forms L29F.
Identifiers: ClinVar variation 3356169 (VCV003356169.1).

ClinVar aggregate classification (germline): Uncertain significance (0 of 4 stars; one submission).

Conditions:
NR0B2-related disorder. Also called: NR0B2-related condition.

gnomAD v4.1: 3 of 1,507,934 alleles (0.0002%); highest among the groups gnomAD compares: Non-Finnish European, 0.00027%; no homozygotes.

Submission:

PreventionGenetics, part of Exact Sciences
Classification: Uncertain significance for NR0B2-related condition. Last evaluated: 2024-02-14. Review status: no assertion criteria provided. Collection method: clinical testing. Allele origin: germline.
Comment: The NR0B2 c.85C>T variant is predicted to result in the amino acid substitution p.Leu29Phe. To our knowledge, this variant has not been reported in the literature. This variant is reported in 0.013% of alleles in individuals of East Asian descent in gnomAD. At this time, the clinical significance of this variant is uncertain due to the absence of conclusive functional and genetic evidence.